The following is an entry in ClinVar:

ClinVar aggregate classification (germline): Conflicting classifications of pathogenicity. Review status: criteria provided, conflicting classifications (1 of 4 stars). 3 submissions from 3 submitters: Pathogenic (2); Uncertain significance (1). Last evaluated 2026-05-29.

Conditions:
Colorectal cancer. Also called: Malignant Colorectal Neoplasm; Colorectal cancer, somatic. Identifiers: MedGen C0346629, MONDO:0005575, OMIM 114500.
Endometrial carcinoma. Also called: Endometrial carcinoma, somatic. Identifiers: MedGen C0476089, MONDO:0002447, OMIM 608089, HP:0012114.
Colorectal cancer, hereditary nonpolyposis, type 7. Identifiers: Orphanet 144, MedGen C1858380, MONDO:0013725, OMIM 614385.

Allele frequency attached by ClinVar (database versions not stated): gnomAD exomes below 0.00001.

Submissions (3):

Ambry Genetics
Classification: Pathogenic. Last evaluated: 2026-05-29. Review status: criteria provided, single submitter. Criteria: Ambry Variant Classification Scheme 2023. Collection method: clinical testing. Allele origin: germline.
Comment: The c.1675delG pathogenic mutation, located in coding exon 1 of the MLH3 gene, results from a deletion of one nucleotide at nucleotide position 1675, causing a translational frameshift with a predicted alternate stop codon (p.E559Kfs*51). This variant is considered to be rare based on population cohorts in the Genome Aggregation Database (gnomAD). This alteration is expected to result in loss of function by premature protein truncation or nonsense-mediated mRNA decay. As such, this alteration is interpreted as a disease-causing mutation.

Myriad Genetics, Inc.
Classification: Pathogenic for Colorectal cancer, hereditary nonpolyposis, type 7. Last evaluated: 2026-03-31. Review status: criteria provided, single submitter. Criteria: Myriad Autosomal Dominant, Autosomal Recessive and X-Linked Classification Criteria (2023). Collection method: clinical testing. Allele origin: unknown.
Comment: This variant is considered pathogenic. This variant creates a frameshift predicted to result in premature protein truncation.

Fulgent Genetics
Classification: Uncertain significance for Colorectal cancer; Endometrial carcinoma; Colorectal cancer, hereditary nonpolyposis, type 7. Last evaluated: 2024-03-24. Review status: criteria provided, single submitter. Criteria: ACMG Guidelines, 2015. Collection method: clinical testing. Allele origin: germline.

NM_001040108.2(MLH3):c.1675del (p.Glu559fs)

Gene: MLH3 (mutL homolog 3; minus strand). Cytogenetic location: 14q24.3.
Variant type: Deletion.
Coding change: c.1675del on transcript NM_001040108.2 (MANE Select); coding-DNA position 1675, one base deleted (G; older notation c.1675delG).
Protein change: p.Glu559fs; shifts the reading frame from glutamic acid 559.
Molecular consequence: frameshift variant.
Genome position (GRCh38, 1-based): chr14:75,047,981, C deleted on the plus strand (G on the coding strand, the reverse complement: MLH3 is on the minus strand). VCF-style (leftmost placement, unchanged base first): chr14-75047980-TC-T. GRCh37 (hg19) VCF-style: chr14-75514683-TC-T.
Other names: c.1675del, p.Glu559fs (NM_014381.3); short protein forms E559fs.
Identifiers: ClinVar variation 1777779 (VCV001777779.5), dbSNP rs2503289811, ClinGen allele CA2575721395.